The following is an entry in ClinVar:

ClinVar aggregate classification (germline): Uncertain significance (1 of 4 stars; one submission).

gnomAD v4.1: 3 of 1,613,870 alleles (0.00019%); highest among the groups gnomAD compares: Admixed American, 0.0017%; no homozygotes.

Submission:

CeGaT Center for Human Genetics Tuebingen
Classification: Uncertain significance. Last evaluated: 2025-05-01. Review status: criteria provided, single submitter. Criteria: CeGaT Center For Human Genetics Tuebingen Variant Classification Criteria Version 2. Collection method: clinical testing. Allele origin: germline. Affected: yes. Observed: 1 variant allele.
Comment: LYST: PM2, BP4

NM_000081.4(LYST):c.2896A>G (p.Met966Val)

Gene: LYST (lysosomal trafficking regulator; minus strand). Cytogenetic location: 1q42.3.
Variant type: single nucleotide variant.
Coding change: c.2896A>G on transcript NM_000081.4 (MANE Select); coding-DNA position 2896, A replaced by G.
Protein change: p.Met966Val; replaces methionine 966 with valine.
Molecular consequence: missense variant.
Genome position (GRCh38, 1-based): chr1:235,806,240, T>C on the plus strand (A>G on the coding strand, the complement: LYST is on the minus strand). VCF-style: chr1-235806240-T-C. GRCh37 (hg19) VCF-style: chr1-235969540-T-C.
Other names: c.2896A>G, p.Met966Val (NM_001301365.1); short protein forms M966V.
Identifiers: ClinVar variation 3898309 (VCV003898309.7).